The following is an entry in ClinVar:

NM_017654.4(SAMD9):c.200T>G (p.Ile67Arg)

Gene: SAMD9 (sterile alpha motif domain containing 9; minus strand). Cytogenetic location: 7q21.2.
Variant type: single nucleotide variant.
Coding change: c.200T>G on transcript NM_017654.4 (MANE Select); coding-DNA position 200, T replaced by G.
Protein change: p.Ile67Arg; replaces isoleucine 67 with arginine.
Molecular consequence: missense variant.
Genome position (GRCh38, 1-based): chr7:93,105,898, A>C on the plus strand (T>G on the coding strand, the complement: SAMD9 is on the minus strand). VCF-style: chr7-93105898-A-C. GRCh37 (hg19) VCF-style: chr7-92735211-A-C.
Other names: c.200T>G, p.Ile67Arg (NM_001193307.2); short protein forms I67R.
Identifiers: ClinVar variation 1805997 (VCV001805997.3), dbSNP rs745512561, ClinGen allele CA4343194.
Genomic context (GRCh38, chr7:93,105,898, plus strand): 5'-TTAGATGTCTGAATCGAATCTTCAATGGCTGTTTTCCGCAATTCTTTGAATAGTTCTTCT[A>C]TTTGAATAGCTGGTCCATGTGTGATGCCCATATCAACAAGATGTTCTTTTTTTAACCACT-3'
Protein context (NP_060124.2, residues 57-77): MGITHGPAIQ[Ile67Arg]EELFKELRKT

ClinVar aggregate classification (germline): Uncertain significance. Review status: criteria provided, multiple submitters, no conflicts (2 of 4 stars). 2 submissions from 2 submitters: Uncertain significance (2). Last evaluated 2025-05-14.

Conditions:
Inborn genetic diseases. Identifiers: MedGen C0950123, MeSH D030342.
MIRAGE syndrome. Also called: MYELODYSPLASIA, INFECTION, RESTRICTION OF GROWTH, ADRENAL HYPOPLASIA, GENITAL PHENOTYPES, AND ENTEROPATHY. Identifiers: Orphanet 494433, MedGen C4284088, MONDO:0014888, OMIM 617053.

Allele frequency attached by ClinVar (database versions not stated): ExAC 0.00001; gnomAD 0.00001.

Submissions (2):

Ambry Genetics
Classification: Uncertain significance for Inborn genetic diseases. Last evaluated: 2025-05-14. Review status: criteria provided, single submitter. Criteria: Ambry Variant Classification Scheme 2023. Collection method: clinical testing. Allele origin: germline.

Victorian Clinical Genetics Services, Murdoch Childrens Research Institute
Classification: Uncertain significance for MIRAGE syndrome. Last evaluated: 2022-09-02. Review status: criteria provided, single submitter. Criteria: ACMG Guidelines, 2015. Collection method: clinical testing. Allele origin: germline. Inheritance: Autosomal dominant inheritance. Affected: yes.
Comment: Based on the classification scheme VCGS_Germline_v1.3.4, this variant is classified as VUS-3C. Following criteria are met: 0103 - Gain of function is a known mechanism of disease in this gene and are associated with MIRAGE syndrome (MIM#617053). Monosomy 7 myelodysplasia and leukemia syndrome 2 (MIM#619041) occur via a reversion of the germline gain of function, usually through a somatic loss of function variant (PMID: 33237688, 34621053). (I) 0107 - This gene is associated with autosomal dominant disease. (I) 0112 - The condition associated with this gene has incomplete penetrance. This is well reported in individuals with monosomy 7 myelodysplasia and leukemia syndrome 2 (MIM#619041) (PMID: 34621053). (I) 0115 - Variants in this gene are known to have variable expressivity (PMID: 34621053). (I) 0200 - Variant is predicted to result in a missense amino acid change from isoleucine to arginine. (I) 0251 - This variant is heterozygous. (I) 0302 - Variant is present in gnomAD (v2, v3) <0.001 for a dominant condition (2 heterozygotes, 0 homozygotes). (SP) 0309 - Two alternative amino acid changes at the same position have been observed in gnomAD (v2, v3) (2 heterozygotes, 0 homozygotes). (I) 0502 - Missense variant with conflicting in silico predictions and uninformative conservation. (I) 0604 - Variant is not located in an established domain, motif, hotspot or informative constraint region. (I) 0705 - No comparable missense variants have previous evidence for pathogenicity. (I) 0807 - This variant has no previous evidence of pathogenicity. (I) 0905 - No published segregation evidence has been identified for this variant. (I) 1007 - No published functional evidence has been identified for this variant. (I) 1208 - Inheritance information for this variant is not currently available in this individual. (I) Legend: (SP) - Supporting pathogenic, (I) - Information, (SB) - Supporting benign

Literature cited by the submitters: PubMed 33237688 (cited by Victorian Clinical Genetics Services, Murdoch Childrens Research Institute); PubMed 34621053 (cited by Victorian Clinical Genetics Services, Murdoch Childrens Research Institute).